The following is an entry in ClinVar:

NM_000388.4(CASR):c.492+6C>T

Gene: CASR (calcium sensing receptor; plus strand). Cytogenetic location: 3q21.1.
Variant type: single nucleotide variant.
Coding change: c.492+6C>T on transcript NM_000388.4 (MANE Select); 6 bases into the intron after coding-DNA position 492, C replaced by T.
Molecular consequence: intron variant.
Genome position (GRCh38, 1-based): chr3:122,257,393, C>T. VCF-style: chr3-122257393-C-T. GRCh37 (hg19) VCF-style: chr3-121976240-C-T.
Other names: c.492+6C>T (NM_001178065.2).
Identifiers: ClinVar variation 1053526 (VCV001053526.7), dbSNP rs765346357, ClinGen allele CA2499216407.

ClinVar aggregate classification (germline): Uncertain significance (1 of 4 stars; one submission).

Conditions:
Autosomal dominant hypocalcemia 1 (HYPOC1). Also called: HYPOCALCEMIA, FAMILIAL. Identifiers: MedGen C3715128, MONDO:0011013, OMIM 601198.
Familial hypocalciuric hypercalcemia (FHH). Also called: Familial benign hypercalcemia. Identifiers: Orphanet 405, MedGen C1809471, MONDO:0018458.

Submission:

Labcorp Genetics (formerly Invitae), Labcorp
Classification: Uncertain significance for Familial hypocalciuric hypercalcemia; Autosomal dominant hypocalcemia 1. Last evaluated: 2026-01-04. Review status: criteria provided, single submitter. Criteria: Invitae Variant Classification Sherloc (09022015). Collection method: clinical testing. Allele origin: germline.
Comment: This sequence change falls in intron 3 of the CASR gene. It does not directly change the encoded amino acid sequence of the CASR protein. It affects a nucleotide within the consensus splice site. This variant is not present in population databases (gnomAD no frequency). This variant has not been reported in the literature in individuals affected with CASR-related conditions. ClinVar contains an entry for this variant (Variation ID: 1053526). Variants that disrupt the consensus splice site are a relatively common cause of aberrant splicing (PMID: 17576681, 9536098). Algorithms developed to predict the effect of sequence changes on RNA splicing suggest that this variant is not likely to affect RNA splicing. In summary, the available evidence is currently insufficient to determine the role of this variant in disease. Therefore, it has been classified as a Variant of Uncertain Significance.

Literature cited by the submitters: PubMed 17576681; PubMed 9536098.